The following is an entry in ClinVar:

ClinVar aggregate classification (germline): Likely benign (0 of 4 stars; one submission).

Conditions:
ZNF407-related disorder. Also called: ZNF407-related condition.

Allele frequency attached by ClinVar (database versions not stated): gnomAD 0.00012; gnomAD exomes 0.00012; TOPMed 0.00019; ExAC 0.00023; 1000 Genomes Project 0.00060; 1000 Genomes Project 30x 0.00062.
gnomAD v4.1: 197 of 1,609,754 alleles (0.012%); highest among the groups gnomAD compares: East Asian, 0.26%; 1 homozygote.

Submission:

PreventionGenetics, part of Exact Sciences
Classification: Likely benign for ZNF407-related condition. Last evaluated: 2019-05-28. Review status: no assertion criteria provided. Collection method: clinical testing. Allele origin: germline.
Comment: This variant is classified as likely benign based on ACMG/AMP sequence variant interpretation guidelines (Richards et al. 2015 PMID: 25741868, with internal and published modifications).

NM_017757.3(ZNF407):c.5044+7C>T

Gene: ZNF407 (zinc finger protein 407; plus strand). Cytogenetic location: 18q22.3.
Variant type: single nucleotide variant.
Coding change: c.5044+7C>T on transcript NM_017757.3 (MANE Select); 7 bases into the intron after coding-DNA position 5044, C replaced by T.
Molecular consequence: intron variant.
Genome position (GRCh38, 1-based): chr18:74,877,370, C>T. VCF-style: chr18-74877370-C-T. GRCh37 (hg19) VCF-style: chr18-72589326-C-T.
Other names: c.5044+7C>T (NM_001384475.1, NM_001146189.1).
Identifiers: ClinVar variation 3044438 (VCV003044438.2), dbSNP rs3815867, ClinGen allele CA9001008.
Genomic context (GRCh38, chr18:74,877,370, plus strand): 5'-ATTACTCATTCCTCACAGCCTCCGCAATGAAAGACCACTACAGGACGCACACAGGTGTGC[C>T]GCGCCGCCTTCCTATCCCAGGAGGCTGGGCAGAGGTAGACTGGGTGGACTGTGGGAACAG-3'